The following is an entry in ClinVar:

ClinVar aggregate classification (germline): Pathogenic (1 of 4 stars; one submission).

Conditions:
Hereditary nonpolyposis colorectal neoplasms. Identifiers: MedGen C0009405, MeSH D003123.

Submission:

Labcorp Genetics (formerly Invitae), Labcorp
Classification: Pathogenic for Hereditary nonpolyposis colorectal neoplasms. Last evaluated: 2021-01-08. Review status: criteria provided, single submitter. Criteria: Invitae Variant Classification Sherloc (09022015). Collection method: clinical testing. Allele origin: germline.
Comment: For these reasons, this variant has been classified as Pathogenic. This variant has not been reported in the literature in individuals with MSH6-related conditions. This variant is not present in population databases (ExAC no frequency). This sequence change creates a premature translational stop signal (p.Ile710Phefs*26) in the MSH6 gene. It is expected to result in an absent or disrupted protein product. Loss-of-function variants in MSH6 are known to be pathogenic (PMID: 18269114, 24362816).

Literature cited by the submitters: PubMed 18269114; PubMed 24362816.

NM_000179.3(MSH6):c.2128del (p.Ile710fs)

Gene: MSH6 (mutS homolog 6; plus strand). Cytogenetic location: 2p16.3.
Variant type: Deletion.
Coding change: c.2128del on transcript NM_000179.3 (MANE Select); coding-DNA position 2128, one base deleted (A; older notation c.2128delA).
Protein change: p.Ile710fs; shifts the reading frame from isoleucine 710.
Molecular consequence: frameshift variant.
Genome position (GRCh38, 1-based): chr2:47,800,111, A deleted. VCF-style (leftmost placement, unchanged base first): chr2-47800110-TA-T. GRCh37 (hg19) VCF-style: chr2-48027249-TA-T.
Other names: c.1738del, p.Ile580fs (NM_001281492.2); c.1222del, p.Ile408fs (NM_001281493.2, NM_001281494.2); short protein forms I408fs, I710fs, I580fs.
Identifiers: ClinVar variation 1433947 (VCV001433947.6), dbSNP rs2104390119, ClinGen allele CA2573135000.
Genomic context (GRCh38, chr2:47,800,110, plus strand): 5'-CTACCTCAAAAAATGCCTTATTGATCAGGAGCTTTTATCAATGGCTAATTTTGAAGAATA[TA>T]TTCCCTTGGATTCTGACACAGTCAGCACTACAAGATCTGGTGCTATCTTCACCAAAGCCT-3'